The following is an entry in ClinVar:

NM_000057.4(BLM):c.2592C>G (p.Tyr864Ter)

Gene: BLM (BLM RecQ like helicase; plus strand). Cytogenetic location: 15q26.1.
Variant type: single nucleotide variant.
Coding change: c.2592C>G on transcript NM_000057.4 (MANE Select); coding-DNA position 2592, C replaced by G.
Protein change: p.Tyr864Ter; replaces tyrosine 864 with a stop codon.
Molecular consequence: nonsense.
Genome position (GRCh38, 1-based): chr15:90,782,858, C>G. VCF-style: chr15-90782858-C-G. GRCh37 (hg19) VCF-style: chr15-91326088-C-G.
Other names: c.2592C>G, p.Tyr864Ter (NM_001287246.2, NM_001287247.2); c.1467C>G, p.Tyr489Ter (NM_001287248.2); short protein forms Y489*, Y864*.
Identifiers: ClinVar variation 1068907 (VCV001068907.8), dbSNP rs1896651394, ClinGen allele CA393845668.
Genomic context (GRCh38, chr15:90,782,858, plus strand): 5'-ATTTTATGTTTGGGACTTTTTTAGGTTTAGCATGAGCTTTAACAGACATAATCTGAAATA[C>G]TATGTATTACCGAAAAAGCCTAAAAAGGTGGCATTTGATTGCCTAGAATGGATCAGAAAG-3'

ClinVar aggregate classification (germline): Pathogenic. Review status: criteria provided, multiple submitters, no conflicts (2 of 4 stars). 2 submissions from 2 submitters: Pathogenic (2). Last evaluated 2025-12-10.

Conditions:
Bloom syndrome (BLM). Also called: Bloom-Torre-Machacek syndrome. Identifiers: Orphanet 125, MedGen C0005859, MONDO:0008876, OMIM 210900.

Allele frequency attached by ClinVar (database versions not stated): gnomAD exomes below 0.00001.
gnomAD v4.1: 1 of 1,613,566 alleles (0.000062%); highest among the groups gnomAD compares: Non-Finnish European, 0.000085%; no homozygotes.

Submissions (2):

Myriad Genetics, Inc.
Classification: Pathogenic for Bloom syndrome. Last evaluated: 2025-12-10. Review status: criteria provided, single submitter. Criteria: Myriad Autosomal Dominant, Autosomal Recessive and X-Linked Classification Criteria (2023). Collection method: clinical testing. Allele origin: unknown.
Comment: This variant is considered pathogenic. This variant creates a termination codon and is predicted to result in premature protein truncation.

Labcorp Genetics (formerly Invitae), Labcorp
Classification: Pathogenic for Bloom syndrome. Last evaluated: 2024-08-28. Review status: criteria provided, single submitter. Criteria: Invitae Variant Classification Sherloc (09022015). Collection method: clinical testing. Allele origin: germline.
Comment: This sequence change creates a premature translational stop signal (p.Tyr864*) in the BLM gene. It is expected to result in an absent or disrupted protein product. Loss-of-function variants in BLM are known to be pathogenic (PMID: 17407155). This variant is not present in population databases (gnomAD no frequency). This variant has not been reported in the literature in individuals affected with BLM-related conditions. ClinVar contains an entry for this variant (Variation ID: 1068907). Studies have shown that this premature translational stop signal is associated with inconclusive levels of altered splicing (internal data). For these reasons, this variant has been classified as Pathogenic.

Literature cited by the submitters: PubMed 17407155 (cited by Labcorp Genetics (formerly Invitae), Labcorp).